The following is an entry in ClinVar:

NM_012062.5(DNM1L):c.606G>T (p.Glu202Asp)

Gene: DNM1L (dynamin 1 like; plus strand). Cytogenetic location: 12p11.21.
Variant type: single nucleotide variant.
Coding change: c.606G>T on transcript NM_012062.5 (MANE Select); coding-DNA position 606, G replaced by T.
Protein change: p.Glu202Asp; replaces glutamic acid 202 with aspartic acid.
Molecular consequence: missense variant. On other transcripts: intron variant (1).
Genome position (GRCh38, 1-based): chr12:32,713,358, G>T. VCF-style: chr12-32713358-G-T. GRCh37 (hg19) VCF-style: chr12-32866292-G-T.
Other names: c.606G>T, p.Glu202Asp (NM_001278463.2, NM_005690.5, NM_012063.4); c.645G>T, p.Glu215Asp (NM_001278464.2, NM_001278465.2, NM_001330380.2); c.131+5945G>T (NM_001278466.2); short protein forms E202D, E215D.
Identifiers: ClinVar variation 1306974 (VCV001306974.2), dbSNP rs2137373569, ClinGen allele CA384367960.

ClinVar aggregate classification (germline): Uncertain significance (1 of 4 stars; one submission).

Submission:

GeneDx
Classification: Uncertain significance. Last evaluated: 2019-07-05. Review status: criteria provided, single submitter. Criteria: GeneDx Variant Classification Process June 2021. Collection method: clinical testing. Allele origin: germline. Affected: yes.
Comment: Not observed in large population cohorts (Lek et al., 2016); In silico analysis, which includes protein predictors and evolutionary conservation, supports that this variant does not alter protein structure/function; Has not been previously published as pathogenic or benign to our knowledge